The following is an entry in ClinVar:

NM_021975.4(RELA):c.428-78C>T

Gene: RELA (RELA proto-oncogene, NF-kB subunit; minus strand). Cytogenetic location: 11q13.1.
Variant type: single nucleotide variant.
Coding change: c.428-78C>T on transcript NM_021975.4 (MANE Select); 78 bases into the intron before coding-DNA position 428, C replaced by T.
Molecular consequence: intron variant.
Genome position (GRCh38, 1-based): chr11:65,659,875, G>A on the plus strand (C>T on the coding strand, the complement: RELA is on the minus strand). VCF-style: chr11-65659875-G-A. GRCh37 (hg19) VCF-style: chr11-65427346-G-A.
Other names: c.335-78C>T (NM_001404662.1, NM_001404663.1); c.401-78C>T (NM_001404658.1); c.47-78C>T (NM_001404661.1); c.428-87C>T (NM_001145138.2); c.428-78C>T (NM_001404660.1, NM_001404659.1, NM_001243984.2 and 1 more transcripts); c.461-78C>T (NM_001404657.1).
Identifiers: ClinVar variation 2688241 (VCV002688241.2), dbSNP rs2306365, ClinGen allele CA15694551.

ClinVar aggregate classification (germline): Benign (1 of 4 stars; one submission).

Allele frequency attached by ClinVar (database versions not stated): gnomAD exomes 0.14543; TOPMed 0.19447; 1000 Genomes Project 0.22843; 1000 Genomes Project 30x 0.23314.
gnomAD v4.1: 224,100 of 1,512,836 alleles (15%); highest among the groups gnomAD compares: East Asian, 42%; 20,542 homozygotes.

Submission:

Unidad de Genómica Garrahan, Hospital de Pediatría Garrahan
Classification: Benign. Last evaluated: 2024-01-24. Review status: criteria provided, single submitter. Criteria: ACMG Guidelines, 2015. Collection method: clinical testing. Allele origin: germline. Affected: no. Observed: 29 variant alleles.
Comment: This variant is classified as Benign based on local population frequency. This variant was detected in 31% of patients studied by a panel of primary immunodeficiencies. Number of patients: 29. Only high quality variants are reported.